The following is an entry in ClinVar:

ClinVar aggregate classification (germline): Uncertain significance. Review status: criteria provided, multiple submitters, no conflicts (2 of 4 stars). 3 submissions from 3 submitters: Uncertain significance (3). Last evaluated 2025-06-29.

Conditions:
Inborn genetic diseases. Identifiers: MedGen C0950123, MeSH D030342.
Hypotonia, infantile, with psychomotor retardation and characteristic facies 2 (IHPRF2). Also called: UNC80 Deficiency. Identifiers: Orphanet 371364, Orphanet 700333, MedGen C4225203, MONDO:0014777, OMIM 616801.

Allele frequency attached by ClinVar (database versions not stated): gnomAD exomes 0.00002 and 0.00011; ExAC 0.00004; gnomAD 0.00004; TOPMed 0.00005.
gnomAD v4.1: 31 of 1,551,848 alleles (0.002%); highest among the groups gnomAD compares: Admixed American, 0.057%; no homozygotes.

Submissions (3):

Ambry Genetics
Classification: Uncertain significance for Inborn genetic diseases. Last evaluated: 2025-06-29. Review status: criteria provided, single submitter. Criteria: Ambry Variant Classification Scheme 2023. Collection method: clinical testing. Allele origin: germline.

Labcorp Genetics (formerly Invitae), Labcorp
Classification: Uncertain significance. Last evaluated: 2022-06-18. Review status: criteria provided, single submitter. Criteria: Invitae Variant Classification Sherloc (09022015). Collection method: clinical testing. Allele origin: germline.
Comment: This sequence change replaces methionine, which is neutral and non-polar, with threonine, which is neutral and polar, at codon 2077 of the UNC80 protein (p.Met2077Thr). This variant is present in population databases (rs751559981, gnomAD 0.08%). This variant has not been reported in the literature in individuals affected with UNC80-related conditions. Algorithms developed to predict the effect of missense changes on protein structure and function are either unavailable or do not agree on the potential impact of this missense change (SIFT: "Not Available"; PolyPhen-2: "Probably Damaging"; Align-GVGD: "Not Available"). In summary, the available evidence is currently insufficient to determine the role of this variant in disease. Therefore, it has been classified as a Variant of Uncertain Significance.

Fulgent Genetics
Classification: Uncertain significance for Hypotonia, infantile, with psychomotor retardation and characteristic facies 2. Last evaluated: 2021-11-30. Review status: criteria provided, single submitter. Criteria: ACMG Guidelines, 2015. Collection method: clinical testing. Allele origin: unknown.

NM_001371986.1(UNC80):c.6428T>C (p.Met2143Thr)

Gene: UNC80 (unc-80 subunit of NALCN channel complex; plus strand). Cytogenetic location: 2q34.
Variant type: single nucleotide variant.
Coding change: c.6428T>C on transcript NM_001371986.1 (MANE Select); coding-DNA position 6428, T replaced by C.
Protein change: p.Met2143Thr; replaces methionine 2143 with threonine.
Molecular consequence: missense variant.
Genome position (GRCh38, 1-based): chr2:209,937,593, T>C. VCF-style: chr2-209937593-T-C. GRCh37 (hg19) VCF-style: chr2-210802317-T-C.
Other names: c.6230T>C, p.Met2077Thr (NM_032504.2); c.6215T>C, p.Met2072Thr (NM_182587.4); short protein forms M2072T, M2077T, M2143T.
Identifiers: ClinVar variation 1502954 (VCV001502954.7), dbSNP rs751559981, ClinGen allele CA2083379.